The following is an entry in ClinVar:

ClinVar aggregate classification (germline): Uncertain significance (1 of 4 stars; one submission).

Submission:

Greenwood Genetic Center Diagnostic Laboratories, Greenwood Genetic Center
Classification: Uncertain significance. Last evaluated: 2022-03-08. Review status: criteria provided, single submitter. Criteria: ACMG Guidelines, 2015. Collection method: clinical testing. Allele origin: germline. Affected: yes.
Comment: PM2, BP4

NM_001372044.2(SHANK3):c.3021C>A (p.Ala1007=)

Gene: SHANK3 (SH3 and multiple ankyrin repeat domains 3; plus strand). Cytogenetic location: 22q13.33.
Variant type: single nucleotide variant.
Coding change: c.3021C>A on transcript NM_001372044.2 (MANE Select); coding-DNA position 3021, C replaced by A.
Protein change: p.Ala1007=; no amino-acid change (alanine 1007 retained).
Molecular consequence: synonymous variant.
Genome position (GRCh38, 1-based): chr22:50,720,629, C>A. VCF-style: chr22-50720629-C-A. GRCh37 (hg19) VCF-style: chr22-51159057-C-A.
Identifiers: ClinVar variation 1676468 (VCV001676468.3), dbSNP rs1367333501, ClinGen allele CA515259822.